The following is an entry in ClinVar:

NM_001378778.1(MPDZ):c.3255-6T>C

Gene: MPDZ (multiple PDZ domain crumbs cell polarity complex component; minus strand). Cytogenetic location: 9p23.
Variant type: single nucleotide variant.
Coding change: c.3255-6T>C on transcript NM_001378778.1 (MANE Select); 6 bases into the intron before coding-DNA position 3255, T replaced by C.
Molecular consequence: intron variant.
Genome position (GRCh38, 1-based): chr9:13,162,801, A>G on the plus strand (T>C on the coding strand, the complement: MPDZ is on the minus strand). VCF-style: chr9-13162801-A-G. GRCh37 (hg19) VCF-style: chr9-13162800-A-G.
Other names: c.3255-6T>C (NM_001375425.1, NM_001375420.1, NM_001375419.1 and 13 more transcripts); c.3254+5565T>C (NM_001375427.1).
Identifiers: ClinVar variation 2032972 (VCV002032972.4), dbSNP rs2491762454, ClinGen allele CA2579404858.
Genomic context (GRCh38, chr9:13,162,801, plus strand): 5'-TTGTCCCAAGCTTATTTTGAACTCTTCCAAATGTTCTGCAGGCACATAAGTAATTCTGGA[A>G]CAAACCAGAATCCATGGAAGTGAAGGGAAATAATATTTTGCCTAATTGTTAGGAAAAGCT-3'

ClinVar aggregate classification (germline): Uncertain significance (1 of 4 stars; one submission).

Allele frequency attached by ClinVar (database versions not stated): gnomAD exomes below 0.00001.
gnomAD v4.1: 2 of 1,582,902 alleles (0.00013%); highest among the groups gnomAD compares: Non-Finnish European, 0.00017%; no homozygotes.

Submission:

Labcorp Genetics (formerly Invitae), Labcorp
Classification: Uncertain significance. Last evaluated: 2022-06-18. Review status: criteria provided, single submitter. Criteria: Invitae Variant Classification Sherloc (09022015). Collection method: clinical testing. Allele origin: germline.
Comment: In summary, the available evidence is currently insufficient to determine the role of this variant in disease. Therefore, it has been classified as a Variant of Uncertain Significance. Algorithms developed to predict the effect of sequence changes on RNA splicing suggest that this variant may create or strengthen a splice site. This variant has not been reported in the literature in individuals affected with MPDZ-related conditions. This variant is not present in population databases (gnomAD no frequency). This sequence change falls in intron 22 of the MPDZ gene. It does not directly change the encoded amino acid sequence of the MPDZ protein.